The following is an entry in ClinVar:

ClinVar aggregate classification (germline): Uncertain significance (1 of 4 stars; one submission).

Conditions:
Inborn genetic diseases. Identifiers: MedGen C0950123, MeSH D030342.

Submission:

Ambry Genetics
Classification: Uncertain significance for Inborn genetic diseases. Last evaluated: 2025-01-09. Review status: criteria provided, single submitter. Criteria: Ambry Variant Classification Scheme 2023. Collection method: clinical testing. Allele origin: germline.
Comment: The p.G295S variant (also known as c.883G>A), located in coding exon 6 of the G6PC3 gene, results from a G to A substitution at nucleotide position 883. The glycine at codon 295 is replaced by serine, an amino acid with similar properties. This amino acid position is conserved. In addition, this alteration is predicted to be tolerated by in silico analysis. Based on the available evidence, the clinical significance of this variant remains unclear.

NM_138387.4(G6PC3):c.883G>A (p.Gly295Ser)

Gene: G6PC3 (glucose-6-phosphatase catalytic subunit 3; plus strand). Cytogenetic location: 17q21.31.
Variant type: single nucleotide variant.
Coding change: c.883G>A on transcript NM_138387.4 (MANE Select); coding-DNA position 883, G replaced by A.
Protein change: p.Gly295Ser; replaces glycine 295 with serine.
Molecular consequence: missense variant. On other transcripts: 3 prime UTR variant (1).
Genome position (GRCh38, 1-based): chr17:44,075,885, G>A. VCF-style: chr17-44075885-G-A. GRCh37 (hg19) VCF-style: chr17-42153253-G-A.
Other names: c.*176G>A (NM_001319945.2); c.538G>A, p.Gly180Ser (NM_001384165.1, NM_001384166.1, NM_001384167.1 and 1 more transcripts); short protein forms G180S, G295S.
Identifiers: ClinVar variation 3852342 (VCV003852342.1).